The following is an entry in ClinVar:

NM_024757.5(EHMT1):c.3397A>G (p.Thr1133Ala)

Gene: EHMT1 (euchromatic histone lysine methyltransferase 1; plus strand). Cytogenetic location: 9q34.3.
Variant type: single nucleotide variant.
Coding change: c.3397A>G on transcript NM_024757.5 (MANE Select); coding-DNA position 3397, A replaced by G.
Protein change: p.Thr1133Ala; replaces threonine 1133 with alanine.
Molecular consequence: missense variant.
Genome position (GRCh38, 1-based): chr9:137,817,461, A>G. VCF-style: chr9-137817461-A-G. GRCh37 (hg19) VCF-style: chr9-140711913-A-G.
Other names: c.3376A>G, p.Thr1126Ala (NM_001354263.2); short protein forms T1126A, T1133A.
Identifiers: ClinVar variation 2441199 (VCV002441199.6), dbSNP rs1955011388, ClinGen allele CA375772974.
Genomic context (GRCh38, chr9:137,817,461, plus strand): 5'-GCTGTGGCCTGGGTTCACCACTACTCTCTATTTTTCAGGGCAAGGCTGCAGCTCTACCGG[A>G]CGCGGGACATGGGCTGGGGCGTGCGGTCCCTGCAGGACATCCCACCAGGCACCTTTGTCT-3'
Protein context (NP_079033.4, residues 1123-1143): GLRARLQLYR[Thr1133Ala]RDMGWGVRSL

ClinVar aggregate classification (germline): Uncertain significance. Review status: criteria provided, multiple submitters, no conflicts (2 of 4 stars). 3 submissions from 3 submitters: Uncertain significance (3). Last evaluated 2024-10-23.

Conditions:
Kleefstra syndrome 1 (KLEFS1). Identifiers: Orphanet 261494, MedGen C0795833, MONDO:0027407, OMIM 610253.

Allele frequency attached by ClinVar (database versions not stated): gnomAD exomes below 0.00001; TOPMed below 0.00001; gnomAD 0.00001.
gnomAD v4.1: 3 of 1,614,000 alleles (0.00019%); highest among the groups gnomAD compares: Admixed American, 0.0033%; no homozygotes.

Submissions (3):

Labcorp Genetics (formerly Invitae), Labcorp
Classification: Uncertain significance for Kleefstra syndrome 1. Last evaluated: 2024-10-23. Review status: criteria provided, single submitter. Criteria: Invitae Variant Classification Sherloc (09022015). Collection method: clinical testing. Allele origin: germline.
Comment: This sequence change replaces threonine, which is neutral and polar, with alanine, which is neutral and non-polar, at codon 1133 of the EHMT1 protein (p.Thr1133Ala). This variant is not present in population databases (gnomAD no frequency). This variant has not been reported in the literature in individuals affected with EHMT1-related conditions. ClinVar contains an entry for this variant (Variation ID: 2441199). Invitae Evidence Modeling of protein sequence and biophysical properties (such as structural, functional, and spatial information, amino acid conservation, physicochemical variation, residue mobility, and thermodynamic stability) indicates that this missense variant is expected to disrupt EHMT1 protein function with a positive predictive value of 80%. In summary, the available evidence is currently insufficient to determine the role of this variant in disease. Therefore, it has been classified as a Variant of Uncertain Significance.

Blueprint Genetics
Classification: Uncertain significance. Last evaluated: 2023-10-18. Review status: criteria provided, single submitter. Criteria: ACMG Guidelines, 2015. Collection method: clinical testing. Allele origin: germline.

Revvity Omics, Revvity
Classification: Uncertain significance for Kleefstra syndrome 1. Last evaluated: 2019-08-14. Review status: criteria provided, single submitter. Criteria: ACMG Guidelines, 2015. Collection method: clinical testing. Allele origin: germline.